The following is an entry in ClinVar:

NM_177438.3(DICER1):c.4159G>T (p.Val1387Leu)

Gene: DICER1 (dicer 1, ribonuclease III; minus strand). Cytogenetic location: 14q32.13.
Variant type: single nucleotide variant.
Coding change: c.4159G>T on transcript NM_177438.3 (MANE Select); coding-DNA position 4159, G replaced by T.
Protein change: p.Val1387Leu; replaces valine 1387 with leucine.
Molecular consequence: missense variant. On other transcripts: non-coding transcript variant (6).
Genome position (GRCh38, 1-based): chr14:95,099,827, C>A on the plus strand (G>T on the coding strand, the complement: DICER1 is on the minus strand). VCF-style: chr14-95099827-C-A. GRCh37 (hg19) VCF-style: chr14-95566164-C-A.
Other names: c.4159G>T, p.Val1387Leu (NM_001195573.1, NM_001271282.3, NM_001291628.2 and 13 more transcripts); c.3877G>T, p.Val1293Leu (NM_001395686.1); c.3754G>T, p.Val1252Leu (NM_001395687.1, NM_001395688.1, NM_001395689.1 and 2 more transcripts); c.3592G>T, p.Val1198Leu (NM_001395691.1); c.2476G>T, p.Val826Leu (NM_001395697.1); short protein forms V1293L, V1252L, V1198L, V826L, V1387L.
Identifiers: ClinVar variation 2566213 (VCV002566213.2), dbSNP rs2542599446, ClinGen allele CA390871884.

ClinVar aggregate classification (germline): Uncertain significance (1 of 4 stars; one submission).

Conditions:
Hereditary cancer-predisposing syndrome. Also called: Neoplastic Syndromes, Hereditary; Hereditary Cancer Syndrome; Hereditary neoplastic syndrome; Tumor predisposition. Identifiers: Orphanet 140162, MedGen C0027672, MeSH D009386, MONDO:0015356.

Submission:

Ambry Genetics
Classification: Uncertain significance for Hereditary cancer-predisposing syndrome. Last evaluated: 2023-05-26. Review status: criteria provided, single submitter. Criteria: Ambry Variant Classification Scheme 2023. Collection method: clinical testing. Allele origin: germline.
Comment: The p.V1387L variant (also known as c.4159G>T), located in coding exon 21 of the DICER1 gene, results from a G to T substitution at nucleotide position 4159. The valine at codon 1387 is replaced by leucine, an amino acid with highly similar properties. This amino acid position is conserved. In addition, this alteration is predicted to be deleterious by in silico analysis. Since supporting evidence is limited at this time, the clinical significance of this alteration remains unclear.